The following is an entry in ClinVar:

NM_001267550.2(TTN):c.52405+2T>C

Genes: TTN (titin; minus strand), TTN-AS1 (TTN antisense RNA 1; plus strand). Cytogenetic location: 2q31.2.
Variant type: single nucleotide variant.
Coding change: c.52405+2T>C on transcript NM_001267550.2 (MANE Select); the canonical splice donor site of the intron after coding-DNA position 52405, T replaced by C.
Molecular consequence: splice donor variant.
Genome position (GRCh38, 1-based): chr2:178,608,604, A>G on the plus strand (T>C on the coding strand, the complement: TTN is on the minus strand). VCF-style: chr2-178608604-A-G. GRCh37 (hg19) VCF-style: chr2-179473331-A-G.
Other names: c.25210+2T>C (NM_003319.4); c.25786+2T>C (NM_133437.4); c.25585+2T>C (NM_133432.3); c.44701+2T>C (NM_133378.4); c.47482+2T>C (NM_001256850.1).
Identifiers: ClinVar variation 2938082 (VCV002938082.3), dbSNP rs2470347591, ClinGen allele CA349574125.

ClinVar aggregate classification (germline): Likely pathogenic (1 of 4 stars; one submission).

Conditions:
Dilated cardiomyopathy 1G (CMD1G). Identifiers: Orphanet 154, MedGen C1858763, MONDO:0011400, OMIM 604145.
Autosomal recessive limb-girdle muscular dystrophy type 2J (LGMDR10). Also called: Limb-girdle muscular dystrophy, type 2J; MUSCULAR DYSTROPHY, LIMB-GIRDLE, AUTOSOMAL RECESSIVE 10. Identifiers: Orphanet 140922, MedGen C1837342, MONDO:0012127, OMIM 608807.

Allele frequency attached by ClinVar (database versions not stated): gnomAD exomes below 0.00001.
gnomAD v4.1: 1 of 1,608,518 alleles (0.000062%); highest among the groups gnomAD compares: Non-Finnish European, 0.000085%; no homozygotes.

Submission:

Labcorp Genetics (formerly Invitae), Labcorp
Classification: Likely pathogenic for Dilated cardiomyopathy 1G; Autosomal recessive limb-girdle muscular dystrophy type 2J. Last evaluated: 2025-11-12. Review status: criteria provided, single submitter. Criteria: Invitae Variant Classification Sherloc (09022015). Collection method: clinical testing. Allele origin: germline.
Comment: This sequence change affects a donor splice site in intron 274 of the TTN gene. It is expected to disrupt RNA splicing and likely results in a truncated or disrupted TTN protein. This variant is not present in population databases (gnomAD no frequency). This variant has not been reported in the literature in individuals affected with TTN-related conditions. ClinVar contains an entry for this variant (Variation ID: 2938082). Algorithms developed to predict the effect of sequence changes on RNA splicing suggest that this variant may disrupt the consensus splice site. This variant is located in the A band of TTN (PMID: 25589632). Truncating variants in this region are significantly overrepresented in patients affected with dilated cardiomyopathy (PMID: 25589632). Truncating variants in this region have also been reported in individuals affected with autosomal recessive centronuclear myopathy (PMID: 23975875). In summary, the currently available evidence indicates that the variant is pathogenic, but additional data are needed to prove that conclusively. Therefore, this variant has been classified as Likely Pathogenic.

Literature cited by the submitters: PubMed 25589632; PubMed 23975875.